The following is an entry in ClinVar:

ClinVar aggregate classification (germline): Pathogenic (1 of 4 stars; one submission).

Submission:

Labcorp Genetics (formerly Invitae), Labcorp
Classification: Pathogenic. Last evaluated: 2023-07-20. Review status: criteria provided, single submitter. Criteria: Invitae Variant Classification Sherloc (09022015). Collection method: clinical testing. Allele origin: germline.
Comment: Disruption of the initiator codon has been observed in individual(s) with clinical features of KCNQ5-related conditions (Invitae). In at least one individual the variant was observed to be de novo. For these reasons, this variant has been classified as Pathogenic. This variant is not present in population databases (gnomAD no frequency). This sequence change affects the initiator methionine of the KCNQ5 mRNA. The next in-frame methionine is located at codon 36.

NM_019842.4(KCNQ5):c.2T>C (p.Met1Thr)

Genes: KCNQ5 (potassium voltage-gated channel subfamily Q member 5; plus strand), KCNQ5-DT (KCNQ5 divergent transcript; minus strand), LOC129996711 (ATAC-STARR-seq lymphoblastoid silent region 17329; plus strand). Cytogenetic location: 6q13.
Variant type: single nucleotide variant.
Coding change: c.2T>C on transcript NM_019842.4 (MANE Select); coding-DNA position 2, T replaced by C.
Protein change: p.Met1Thr; changes the start codon (methionine 1).
Molecular consequence: missense variant, initiator codon variant.
Genome position (GRCh38, 1-based): chr6:72,622,191, T>C. VCF-style: chr6-72622191-T-C. GRCh37 (hg19) VCF-style: chr6-73331919-T-C.
Other names: c.2T>C, p.Met1Thr (NM_001160130.2, NM_001160132.2, NM_001160133.2 and 1 more transcripts); short protein forms M1T.
Identifiers: ClinVar variation 2854702 (VCV002854702.3), dbSNP rs2481564750, ClinGen allele CA364823946.